The following is an entry in ClinVar:

NM_004984.4(KIF5A):c.1272C>G (p.Leu424=)

Gene: KIF5A (kinesin family member 5A; plus strand). Cytogenetic location: 12q13.3.
Variant type: single nucleotide variant.
Coding change: c.1272C>G on transcript NM_004984.4 (MANE Select); coding-DNA position 1272, C replaced by G.
Protein change: p.Leu424=; no amino-acid change (leucine 424 retained).
Molecular consequence: synonymous variant.
Genome position (GRCh38, 1-based): chr12:57,570,141, C>G. VCF-style: chr12-57570141-C-G. GRCh37 (hg19) VCF-style: chr12-57963924-C-G.
Other names: c.1005C>G, p.Leu335= (NM_001354705.2).
Identifiers: ClinVar variation 3234660 (VCV003234660.20), dbSNP rs2540501762, ClinGen allele CA480264516.

ClinVar aggregate classification (germline): Likely benign (1 of 4 stars; one submission).

Allele frequency attached by ClinVar (database versions not stated): gnomAD exomes below 0.00001.
gnomAD v4.1: 1 of 1,613,910 alleles (0.000062%); highest among the groups gnomAD compares: Middle Eastern, 0.017%; no homozygotes.

Submission:

CeGaT Center for Human Genetics Tuebingen
Classification: Likely benign. Last evaluated: 2024-04-01. Review status: criteria provided, single submitter. Criteria: CeGaT Center For Human Genetics Tuebingen Variant Classification Criteria Version 2. Collection method: clinical testing. Allele origin: germline. Affected: yes. Observed: 1 variant allele.
Comment: KIF5A: PM2:Supporting, BP4, BP7